The following is an entry in ClinVar:

NM_152594.3(SPRED1):c.565C>T (p.Gln189Ter)

Gene: SPRED1 (sprouty related EVH1 domain containing 1; plus strand). Cytogenetic location: 15q14.
Variant type: single nucleotide variant.
Coding change: c.565C>T on transcript NM_152594.3 (MANE Select); coding-DNA position 565, C replaced by T.
Protein change: p.Gln189Ter; replaces glutamine 189 with a stop codon.
Molecular consequence: nonsense.
Genome position (GRCh38, 1-based): chr15:38,339,878, C>T. VCF-style: chr15-38339878-C-T. GRCh37 (hg19) VCF-style: chr15-38632079-C-T.
Other names: short protein forms Q189*.
Identifiers: ClinVar variation 2878665 (VCV002878665.3), dbSNP rs200142785, ClinGen allele CA391932710.
Genomic context (GRCh38, chr15:38,339,878, plus strand): 5'-AGAAGCTCAAATATAAGACCTTCTCCCTTTGAAGATCTGAATGCCAGAAGAGTCTACATG[C>T]AAAGCCAAGCCAATCAGGTAAGAAGATAAAATATTTTTTCGGCGCGTTGTTTATATGTGT-3'

ClinVar aggregate classification (germline): Pathogenic (1 of 4 stars; one submission).

Conditions:
Legius syndrome. Identifiers: Orphanet 137605, MedGen C1969623, MONDO:0012669, OMIM 611431. Disease mechanism: loss of function.

Submission:

Labcorp Genetics (formerly Invitae), Labcorp
Classification: Pathogenic for Legius syndrome. Last evaluated: 2023-04-04. Review status: criteria provided, single submitter. Criteria: Invitae Variant Classification Sherloc (09022015). Collection method: clinical testing. Allele origin: germline.
Comment: For these reasons, this variant has been classified as Pathogenic. This variant has not been reported in the literature in individuals affected with SPRED1-related conditions. This variant is not present in population databases (gnomAD no frequency). This sequence change creates a premature translational stop signal (p.Gln189*) in the SPRED1 gene. It is expected to result in an absent or disrupted protein product. Loss-of-function variants in SPRED1 are known to be pathogenic (PMID: 17704776).

Literature cited by the submitters: PubMed 17704776.